The following is an entry in ClinVar:

NM_001013838.3(CARMIL2):c.1046C>G (p.Ala349Gly)

Gene: CARMIL2 (capping protein regulator and myosin 1 linker 2; plus strand). Cytogenetic location: 16q22.1.
Variant type: single nucleotide variant.
Coding change: c.1046C>G on transcript NM_001013838.3 (MANE Select); coding-DNA position 1046, C replaced by G.
Protein change: p.Ala349Gly; replaces alanine 349 with glycine.
Molecular consequence: missense variant.
Genome position (GRCh38, 1-based): chr16:67,647,933, C>G. VCF-style: chr16-67647933-C-G. GRCh37 (hg19) VCF-style: chr16-67681836-C-G.
Other names: c.1046C>G, p.Ala349Gly (NM_001317026.3); short protein forms A349G.
Identifiers: ClinVar variation 1404849 (VCV001404849.7), dbSNP rs376307876, ClinGen allele CA8113318.

ClinVar aggregate classification (germline): Uncertain significance (1 of 4 stars; one submission).

gnomAD v4.1: 37 of 1,609,540 alleles (0.0023%); highest among the groups gnomAD compares: Non-Finnish European, 0.003%; no homozygotes.

Submission:

Labcorp Genetics (formerly Invitae), Labcorp
Classification: Uncertain significance. Last evaluated: 2026-01-14. Review status: criteria provided, single submitter. Criteria: Invitae Variant Classification Sherloc (09022015). Collection method: clinical testing. Allele origin: germline.
Comment: This sequence change replaces alanine, which is neutral and non-polar, with glycine, which is neutral and non-polar, at codon 349 of the CARMIL2 protein (p.Ala349Gly). This variant is present in population databases (rs376307876, gnomAD 0.004%). This variant has not been reported in the literature in individuals affected with CARMIL2-related conditions. ClinVar contains an entry for this variant (Variation ID: 1404849). An algorithm developed to predict the effect of missense changes on protein structure and function (PolyPhen-2) suggests that this variant is likely to be tolerated. In summary, the available evidence is currently insufficient to determine the role of this variant in disease. Therefore, it has been classified as a Variant of Uncertain Significance.